The following is an entry in ClinVar:

ClinVar aggregate classification (germline): Uncertain significance (1 of 4 stars; one submission).

Conditions:
SEMA3E-related disorder. Also called: SEMA3E-related condition.

Submission:

PreventionGenetics, part of Exact Sciences
Classification: Uncertain significance for SEMA3E-related condition. Last evaluated: 2025-06-04. Review status: criteria provided, single submitter. Criteria: ACMG Guidelines, 2015. Collection method: clinical testing. Allele origin: germline.
Comment: The SEMA3E c.381G>T variant is predicted to result in the amino acid substitution p.Arg127Ser. To our knowledge, this variant has not been reported in the literature or in a large population database (gnomAD), indicating this variant is rare. At this time, the clinical significance of this variant is uncertain due to the absence of conclusive functional and genetic evidence.

NM_012431.3(SEMA3E):c.381G>T (p.Arg127Ser)

Gene: SEMA3E (semaphorin 3E; minus strand). Cytogenetic location: 7q21.11.
Variant type: single nucleotide variant.
Coding change: c.381G>T on transcript NM_012431.3 (MANE Select); coding-DNA position 381, G replaced by T.
Protein change: p.Arg127Ser; replaces arginine 127 with serine.
Molecular consequence: missense variant.
Genome position (GRCh38, 1-based): chr7:83,466,557, C>A on the plus strand (G>T on the coding strand, the complement: SEMA3E is on the minus strand). VCF-style: chr7-83466557-C-A. GRCh37 (hg19) VCF-style: chr7-83095873-C-A.
Other names: c.201G>T, p.Arg67Ser (NM_001178129.2); short protein forms R127S, R67S.
Identifiers: ClinVar variation 5001478 (VCV005001478.1).
Genomic context (GRCh38, chr7:83,466,557, plus strand): 5'-AACTCTGATGAAGGCACAAACTGGATCAAAAGCTCCAGTACCACAGGTCAGAAGGTGTGT[C>A]CTGTTATAGTGATGCAAAACCCGAACATAATTTGCACATTCACCCTAAAGCAGGAAAAAA-3'
Protein context (NP_036563.1, residues 117-137): NYVRVLHHYN[Arg127Ser]THLLTCGTGA